The following is an entry in ClinVar:

NM_000179.3(MSH6):c.1370C>T (p.Ala457Val)

Gene: MSH6 (mutS homolog 6; plus strand). Cytogenetic location: 2p16.3.
Variant type: single nucleotide variant.
Coding change: c.1370C>T on transcript NM_000179.3 (MANE Select); coding-DNA position 1370, C replaced by T.
Protein change: p.Ala457Val; replaces alanine 457 with valine.
Molecular consequence: missense variant.
Genome position (GRCh38, 1-based): chr2:47,799,353, C>T. VCF-style: chr2-47799353-C-T. GRCh37 (hg19) VCF-style: chr2-48026492-C-T.
Other names: c.980C>T, p.Ala327Val (NM_001281492.2); c.464C>T, p.Ala155Val (NM_001281493.2, NM_001281494.2, NM_001406811.1 and 6 more transcripts); c.1466C>T, p.Ala489Val (NM_001406795.1, NM_001406802.1); c.1370C>T, p.Ala457Val (NM_001406796.1, NM_001406798.1, NM_001406800.1 and 4 more transcripts); c.1073C>T, p.Ala358Val (NM_001406797.1, NM_001406801.1, NM_001406805.1 and 10 more transcripts); c.845C>T, p.Ala282Val (NM_001406799.1, NM_001406806.1, NM_001406807.1); c.1292C>T, p.Ala431Val (NM_001406804.1); c.1376C>T, p.Ala459Val (NM_001406813.1); and 1 more; short protein forms A358V, A457V, A155V, A431V, A282V, A327V, A401V, A459V.
Identifiers: ClinVar variation 1938685 (VCV001938685.7), dbSNP rs2104339562, ClinGen allele CA346744912.

ClinVar aggregate classification (germline): Uncertain significance. Review status: criteria provided, multiple submitters, no conflicts (2 of 4 stars). 3 submissions from 3 submitters: Uncertain significance (3). Last evaluated 2023-09-20.

Conditions:
Hereditary nonpolyposis colorectal neoplasms. Identifiers: MedGen C0009405, MeSH D003123.
Endometrial carcinoma. Also called: Endometrial carcinoma, somatic. Identifiers: MedGen C0476089, MONDO:0002447, OMIM 608089, HP:0012114.

Submissions (3):

Baylor Genetics
Classification: Uncertain significance for Endometrial carcinoma. Last evaluated: 2023-09-20. Review status: criteria provided, single submitter. Criteria: ACMG Guidelines, 2015. Collection method: clinical testing. Allele origin: unknown.

GeneDx
Classification: Uncertain significance. Last evaluated: 2023-03-02. Review status: criteria provided, single submitter. Criteria: GeneDx Variant Classification Process June 2021. Collection method: clinical testing. Allele origin: germline. Affected: yes.
Comment: Not observed at significant frequency in large population cohorts (gnomAD); In silico analysis supports that this missense variant has a deleterious effect on protein structure/function; Has not been previously published as pathogenic or benign to our knowledge; This variant is associated with the following publications: (PMID: 17531815, 21120944)

Labcorp Genetics (formerly Invitae), Labcorp
Classification: Uncertain significance for Hereditary nonpolyposis colorectal neoplasms. Last evaluated: 2022-08-24. Review status: criteria provided, single submitter. Criteria: Invitae Variant Classification Sherloc (09022015). Collection method: clinical testing. Allele origin: germline.
Comment: In summary, the available evidence is currently insufficient to determine the role of this variant in disease. Therefore, it has been classified as a Variant of Uncertain Significance. Advanced modeling of protein sequence and biophysical properties (such as structural, functional, and spatial information, amino acid conservation, physicochemical variation, residue mobility, and thermodynamic stability) performed at Invitae indicates that this missense variant is expected to disrupt MSH6 protein function. This variant has not been reported in the literature in individuals affected with MSH6-related conditions. This variant is not present in population databases (gnomAD no frequency). This sequence change replaces alanine, which is neutral and non-polar, with valine, which is neutral and non-polar, at codon 457 of the MSH6 protein (p.Ala457Val).